The following is an entry in ClinVar:

ClinVar aggregate classification (germline): Uncertain significance (1 of 4 stars; one submission).

Conditions:
Baller-Gerold syndrome (BGS). Also called: CRANIOSYNOSTOSIS WITH RADIAL DEFECTS. Identifiers: Orphanet 1225, MedGen C0265308, MONDO:0009039, OMIM 218600.

gnomAD v4.1: 15 of 1,605,962 alleles (0.00093%); highest among the groups gnomAD compares: Non-Finnish European, 0.0013%; no homozygotes.

Submission:

Labcorp Genetics (formerly Invitae), Labcorp
Classification: Uncertain significance for Baller-Gerold syndrome. Last evaluated: 2023-04-07. Review status: criteria provided, single submitter. Criteria: Invitae Variant Classification Sherloc (09022015). Collection method: clinical testing. Allele origin: germline.
Comment: In summary, the available evidence is currently insufficient to determine the role of this variant in disease. Therefore, it has been classified as a Variant of Uncertain Significance. Advanced modeling of protein sequence and biophysical properties (such as structural, functional, and spatial information, amino acid conservation, physicochemical variation, residue mobility, and thermodynamic stability) performed at Invitae indicates that this missense variant is expected to disrupt RECQL4 protein function. ClinVar contains an entry for this variant (Variation ID: 998615). This variant has not been reported in the literature in individuals affected with RECQL4-related conditions. This variant is not present in population databases (gnomAD no frequency). This sequence change replaces arginine, which is basic and polar, with glycine, which is neutral and non-polar, at codon 721 of the RECQL4 protein (p.Arg721Gly).

NM_004260.4(RECQL4):c.2161C>G (p.Arg721Gly)

Gene: RECQL4 (RecQ like helicase 4; minus strand). Cytogenetic location: 8q24.3.
Variant type: single nucleotide variant.
Coding change: c.2161C>G on transcript NM_004260.4 (MANE Select); coding-DNA position 2161, C replaced by G.
Protein change: p.Arg721Gly; replaces arginine 721 with glycine.
Molecular consequence: missense variant.
Genome position (GRCh38, 1-based): chr8:144,513,610, G>C on the plus strand (C>G on the coding strand, the complement: RECQL4 is on the minus strand). VCF-style: chr8-144513610-G-C. GRCh37 (hg19) VCF-style: chr8-145738994-G-C.
Other names: short protein forms R721G.
Identifiers: ClinVar variation 998615 (VCV000998615.5), dbSNP rs746691436, ClinGen allele CA372679698.